The following is an entry in ClinVar:

ClinVar aggregate classification (germline): Uncertain significance. Review status: criteria provided, multiple submitters, no conflicts (2 of 4 stars). 2 submissions from 2 submitters: Uncertain significance (2). Last evaluated 2024-10-12.

Conditions:
Inborn genetic diseases. Identifiers: MedGen C0950123, MeSH D030342.

Allele frequency attached by ClinVar (database versions not stated): ExAC 0.00003; gnomAD exomes 0.00004.
gnomAD v4.1: 29 of 1,613,466 alleles (0.0018%); highest among the groups gnomAD compares: South Asian, 0.021%; no homozygotes.

Submissions (2):

Ambry Genetics
Classification: Uncertain significance for Inborn genetic diseases. Last evaluated: 2024-10-12. Review status: criteria provided, single submitter. Criteria: Ambry Variant Classification Scheme 2023. Collection method: clinical testing. Allele origin: germline.

Labcorp Genetics (formerly Invitae), Labcorp
Classification: Uncertain significance. Last evaluated: 2022-08-23. Review status: criteria provided, single submitter. Criteria: Invitae Variant Classification Sherloc (09022015). Collection method: clinical testing. Allele origin: germline.
Comment: This sequence change replaces lysine, which is basic and polar, with asparagine, which is neutral and polar, at codon 224 of the TTC37 protein (p.Lys224Asn). This variant is present in population databases (rs758472979, gnomAD 0.03%). This variant has not been reported in the literature in individuals affected with TTC37-related conditions. ClinVar contains an entry for this variant (Variation ID: 1353575). Algorithms developed to predict the effect of missense changes on protein structure and function output the following: SIFT: "Tolerated"; PolyPhen-2: "Benign"; Align-GVGD: "Class C0". The asparagine amino acid residue is found in multiple mammalian species, which suggests that this missense change does not adversely affect protein function. In summary, the available evidence is currently insufficient to determine the role of this variant in disease. Therefore, it has been classified as a Variant of Uncertain Significance.

NM_014639.4(SKIC3):c.672G>C (p.Lys224Asn)

Gene: SKIC3 (SKI3 subunit of superkiller complex; minus strand). Cytogenetic location: 5q15.
Variant type: single nucleotide variant.
Coding change: c.672G>C on transcript NM_014639.4 (MANE Select); coding-DNA position 672, G replaced by C.
Protein change: p.Lys224Asn; replaces lysine 224 with asparagine.
Molecular consequence: missense variant.
Genome position (GRCh38, 1-based): chr5:95,536,896, C>G on the plus strand (G>C on the coding strand, the complement: SKIC3 is on the minus strand). VCF-style: chr5-95536896-C-G. GRCh37 (hg19) VCF-style: chr5-94872600-C-G.
Other names: c.672G>C (NM_014639.3); short protein forms K224N.
Identifiers: ClinVar variation 1353575 (VCV001353575.5), dbSNP rs758472979, ClinGen allele CA3347554.